The following is an entry in ClinVar:

NM_006904.7(PRKDC):c.2668A>C (p.Lys890Gln)

Gene: PRKDC (protein kinase, DNA-activated, catalytic subunit; minus strand). Cytogenetic location: 8q11.21.
Variant type: single nucleotide variant.
Coding change: c.2668A>C on transcript NM_006904.7 (MANE Select); coding-DNA position 2668, A replaced by C.
Protein change: p.Lys890Gln; replaces lysine 890 with glutamine.
Molecular consequence: missense variant.
Genome position (GRCh38, 1-based): chr8:47,914,014, T>G on the plus strand (A>C on the coding strand, the complement: PRKDC is on the minus strand). VCF-style: chr8-47914014-T-G. GRCh37 (hg19) VCF-style: chr8-48826574-T-G.
Other names: c.2668A>C, p.Lys890Gln (NM_001081640.2); short protein forms K890Q.
Identifiers: ClinVar variation 1794513 (VCV001794513.2), dbSNP rs2551876882, ClinGen allele CA371159437.
Genomic context (GRCh38, chr8:47,914,014, plus strand): 5'-ACACATCCAGGAAAATGACAGGTTTCATCTCTCTAAAGGGCACTGCAAAGCTCAGCCGCT[T>G]CTCTCTGTCCCAGGCCACATAGCTCTTCATCATCTCATCTGAGGACGTGACTGTTAGAAA-3'
Protein context (NP_008835.5, residues 880-900): MKSYVAWDRE[Lys890Gln]RLSFAVPFRE

ClinVar aggregate classification (germline): Uncertain significance (1 of 4 stars; one submission).

Submission:

Ambry Genetics
Classification: Uncertain significance. Last evaluated: 2022-10-09. Review status: criteria provided, single submitter. Criteria: Ambry Variant Classification Scheme 2023. Collection method: clinical testing. Allele origin: germline.
Comment: The p.K890Q variant (also known as c.2668A>C), located in coding exon 24 of the PRKDC gene, results from an A to C substitution at nucleotide position 2668. The lysine at codon 890 is replaced by glutamine, an amino acid with similar properties. This amino acid position is conserved. In addition, this alteration is predicted to be tolerated by in silico analysis. Since supporting evidence is limited at this time, the clinical significance of this alteration remains unclear.